The following is an entry in ClinVar:

NM_002529.4(NTRK1):c.1961G>C (p.Arg654Pro)

Gene: NTRK1 (neurotrophic receptor tyrosine kinase 1; plus strand). Cytogenetic location: 1q23.1.
Variant type: single nucleotide variant.
Coding change: c.1961G>C on transcript NM_002529.4 (MANE Select); coding-DNA position 1961, G replaced by C.
Protein change: p.Arg654Pro; replaces arginine 654 with proline.
Molecular consequence: missense variant.
Genome position (GRCh38, 1-based): chr1:156,879,277, G>C. VCF-style: chr1-156879277-G-C. GRCh37 (hg19) VCF-style: chr1-156849069-G-C.
Other names: c.1961G>C, p.Arg654Pro (NM_001007204.1); c.1853G>C, p.Arg618Pro (NM_001007792.1); c.1943G>C, p.Arg648Pro (NM_001012331.2); short protein forms R648P, R654P, R618P.
Identifiers: ClinVar variation 1966242 (VCV001966242.5), dbSNP rs750168062, ClinGen allele CA1169523.

ClinVar aggregate classification (germline): Likely pathogenic (1 of 4 stars; one submission).

Conditions:
Hereditary insensitivity to pain with anhidrosis (CIPA). Also called: INSENSITIVITY TO PAIN, CONGENITAL, WITH ANHIDROSIS; hereditary sensory and autonomic neuropathy type 4; HSAN Type IV; NTRK1 Congenital Insensitivity to Pain with Anhidrosis; FAMILIAL DYSAUTONOMIA, TYPE II; NEUROPATHY, CONGENITAL SENSORY, WITH ANHIDROSIS. Identifiers: Orphanet 642, MedGen C0020074, MONDO:0009746, OMIM 256800.

gnomAD v4.1: 1 of 1,613,782 alleles (0.000062%); highest among the groups gnomAD compares: Admixed American, 0.0017%; no homozygotes.

Submission:

Labcorp Genetics (formerly Invitae), Labcorp
Classification: Likely pathogenic for Hereditary insensitivity to pain with anhidrosis. Last evaluated: 2022-04-12. Review status: criteria provided, single submitter. Criteria: Invitae Variant Classification Sherloc (09022015). Collection method: clinical testing. Allele origin: germline.
Comment: This variant disrupts the p.Arg648 amino acid residue in NTRK1. Other variant(s) that disrupt this residue have been determined to be pathogenic (PMID: 10982191, 11159935, 22302274, 24631696). This suggests that this residue is clinically significant, and that variants that disrupt this residue are likely to be disease-causing. Advanced modeling of protein sequence and biophysical properties (such as structural, functional, and spatial information, amino acid conservation, physicochemical variation, residue mobility, and thermodynamic stability) performed at Invitae indicates that this missense variant is expected to disrupt NTRK1 protein function. In summary, the currently available evidence indicates that the variant is pathogenic, but additional data are needed to prove that conclusively. Therefore, this variant has been classified as Likely Pathogenic. This variant has not been reported in the literature in individuals affected with NTRK1-related conditions. This variant is present in population databases (rs750168062, gnomAD 0.003%). This sequence change replaces arginine, which is basic and polar, with proline, which is neutral and non-polar, at codon 648 of the NTRK1 protein (p.Arg648Pro).

Literature cited by the submitters: PubMed 10982191; PubMed 11159935; PubMed 22302274; PubMed 24631696.